The following is an entry in ClinVar:

NM_014284.3(NCDN):c.2043C>T (p.Pro681=)

Gene: NCDN (neurochondrin; plus strand). Cytogenetic location: 1p34.3.
Variant type: single nucleotide variant.
Coding change: c.2043C>T on transcript NM_014284.3 (MANE Select); coding-DNA position 2043, C replaced by T.
Protein change: p.Pro681=; no amino-acid change (proline 681 retained).
Molecular consequence: synonymous variant.
Genome position (GRCh38, 1-based): chr1:35,565,516, C>T. VCF-style: chr1-35565516-C-T. GRCh37 (hg19) VCF-style: chr1-36031117-C-T.
Other names: c.2043C>T, p.Pro681= (NM_001014839.2); c.1992C>T, p.Pro664= (NM_001014841.2).
Identifiers: ClinVar variation 1694507 (VCV001694507.31), dbSNP rs55743884, ClinGen allele CA760397.
Genomic context (GRCh38, chr1:35,565,516, plus strand): 5'-CCGCTGGCCGCAGGAGCTGCTCCAGCTGCTAGGCAGTGTCAGCCCCAACTCTGTCAAGCC[C>T]GAGATGGTGGCCGCCTATCAGGGTGTCCTGGTGGAGCTGGCGCGGGCCAACCGGCTGTGC-3'
Protein context (NP_055099.1, residues 671-691): LGSVSPNSVK[Pro681=]EMVAAYQGVL

ClinVar aggregate classification (germline): Benign (1 of 4 stars; one submission).

Allele frequency attached by ClinVar (database versions not stated): 1000 Genomes Project 0.00459; 1000 Genomes Project 30x 0.00531; gnomAD exomes 0.00775 and 0.01125; ESP Exome Variant Server 0.00804; TOPMed 0.00814; gnomAD 0.00858 and 0.00870; ExAC 0.01223.
gnomAD v4.1: 17,296 of 1,577,788 alleles (1.1%); highest among the groups gnomAD compares: Non-Finnish European, 1.3%; 111 homozygotes.

Submission:

CeGaT Center for Human Genetics Tuebingen
Classification: Benign. Last evaluated: 2026-09-01. Review status: criteria provided, single submitter. Criteria: CeGaT Center For Human Genetics Tuebingen Variant Classification Criteria Version 2. Collection method: clinical testing. Allele origin: germline. Affected: yes. Observed: 87 variant alleles.
Comment: NCDN: BP4, BP7, BS1, BS2